The following is an entry in ClinVar:

NM_005876.5(SPEG):c.3712C>T (p.Gln1238Ter)

Gene: SPEG (striated muscle enriched protein kinase; plus strand). Cytogenetic location: 2q35.
Variant type: single nucleotide variant.
Coding change: c.3712C>T on transcript NM_005876.5 (MANE Select); coding-DNA position 3712, C replaced by T.
Protein change: p.Gln1238Ter; replaces glutamine 1238 with a stop codon.
Molecular consequence: nonsense.
Genome position (GRCh38, 1-based): chr2:219,469,376, C>T. VCF-style: chr2-219469376-C-T. GRCh37 (hg19) VCF-style: chr2-220334098-C-T.
Other names: short protein forms Q1238*.
Identifiers: ClinVar variation 1460236 (VCV001460236.6), dbSNP rs2125468774, ClinGen allele CA350749764.

ClinVar aggregate classification (germline): Pathogenic (1 of 4 stars; one submission).

Submission:

Labcorp Genetics (formerly Invitae), Labcorp
Classification: Pathogenic. Last evaluated: 2022-03-18. Review status: criteria provided, single submitter. Criteria: Invitae Variant Classification Sherloc (09022015). Collection method: clinical testing. Allele origin: germline.
Comment: This sequence change creates a premature translational stop signal (p.Gln1238*) in the SPEG gene. It is expected to result in an absent or disrupted protein product. Loss-of-function variants in SPEG are known to be pathogenic (PMID: 19118250, 25087613). This variant is not present in population databases (gnomAD no frequency). This variant has not been reported in the literature in individuals affected with SPEG-related conditions. For these reasons, this variant has been classified as Pathogenic.

Literature cited by the submitters: PubMed 19118250; PubMed 25087613.